The following is an entry in ClinVar:

ClinVar aggregate classification (germline): Uncertain significance (1 of 4 stars; one submission).

Allele frequency attached by ClinVar (database versions not stated): gnomAD exomes below 0.00001.
gnomAD v4.1: 1 of 1,613,042 alleles (0.000062%); highest among the groups gnomAD compares: Non-Finnish European, 0.000085%; no homozygotes.

Submission:

GeneDx
Classification: Uncertain significance. Last evaluated: 2022-01-07. Review status: criteria provided, single submitter. Criteria: GeneDx Variant Classification Process June 2021. Collection method: clinical testing. Allele origin: germline. Affected: yes.
Comment: Not observed at significant frequency in large population cohorts (gnomAD); In silico analysis supports that this missense variant does not alter protein structure/function; Has not been previously published as pathogenic or benign to our knowledge

NM_001386298.1(CIC):c.5605C>T (p.Pro1869Ser)

Gene: CIC (capicua transcriptional repressor; plus strand). Cytogenetic location: 19q13.2.
Variant type: single nucleotide variant.
Coding change: c.5605C>T on transcript NM_001386298.1 (MANE Select); coding-DNA position 5605, C replaced by T.
Protein change: p.Pro1869Ser; replaces proline 1869 with serine.
Molecular consequence: missense variant.
Genome position (GRCh38, 1-based): chr19:42,291,737, C>T. VCF-style: chr19-42291737-C-T. GRCh37 (hg19) VCF-style: chr19-42795889-C-T.
Other names: c.5605C>T, p.Pro1869Ser (NM_001304815.2, NM_001379480.1, NM_001379482.1); c.2878C>T, p.Pro960Ser (NM_001379484.1, NM_001379485.1, NM_015125.5); short protein forms P1869S, P960S.
Identifiers: ClinVar variation 1695774 (VCV001695774.2), dbSNP rs2147283952, ClinGen allele CA406112957.
Genomic context (GRCh38, chr19:42,291,737, plus strand): 5'-CAGCCACTGCCACTGGTGAGCCCGCCCTTCTCAGTACCTGTGCAGAATGGTGCCCAGCCC[C>T]CCAGCAAGGTGAGGGCCTGCCTTTCTCTCTACCTGCTGGATGTTGGCCCCTGTACCCCAT-3'
Protein context (NP_001373227.1, residues 1859-1879): SVPVQNGAQP[Pro1869Ser]SKIIQLTPVP